The following is an entry in ClinVar:

ClinVar aggregate classification (germline): Pathogenic. Review status: reviewed by expert panel (3 of 4 stars). 13 submissions from 13 submitters: Pathogenic (1). 12 of the submissions do not count toward it. Last evaluated 2016-09-08.

Conditions:
Hereditary cancer-predisposing syndrome. Also called: Tumor predisposition; Neoplastic Syndromes, Hereditary; Hereditary Cancer Syndrome; Hereditary neoplastic syndrome. Identifiers: Orphanet 140162, MedGen C0027672, MeSH D009386, MONDO:0015356.
Inherited breast cancer and ovarian cancer.
Hereditary breast ovarian cancer syndrome. Also called: Hereditary breast and ovarian cancer syndrome (HBOC); Hereditary breast and ovarian cancer syndrome; Hereditary breast and ovarian cancer; Hereditary breast and/or ovarian cancer syndrome; Breast and ovarian cancer; BRCA1- and BRCA2-Associated Hereditary Breast and Ovarian Cancer. Identifiers: Orphanet 145, MedGen C0677776, MeSH D061325, MONDO:0003582. Disease mechanism: loss of function.
Breast-ovarian cancer, familial, susceptibility to, 1 (BROVCA1). Also called: OVARIAN CANCER, SUSCEPTIBILITY TO; BRCA1 Hereditary Breast and Ovarian Cancer. Identifiers: Orphanet 145, MedGen C2676676, MONDO:0011450, OMIM 604370. Disease mechanism: loss of function.

Submissions (13):

Evidence-based Network for the Interpretation of Germline Mutant Alleles (ENIGMA)
Classification: Pathogenic for Breast-ovarian cancer, familial, susceptibility to, 1. Last evaluated: 2016-09-08. Review status: reviewed by expert panel. Criteria: ENIGMA BRCA1/2 Classification Criteria (2015). Collection method: curation. Allele origin: germline.
Comment: Variant allele predicted to encode a truncated non-functional protein.

Genetics Laboratory, Great Ormond Street Hospital NHS Foundation Trust, North Thames Genomic Laboratory Hub
Classification: Pathogenic for Inherited breast cancer and ovarian cancer. Last evaluated: 2026-07-14. Review status: criteria provided, single submitter. Criteria: CanVIG BRCA Gene Specific V1.22. Collection method: clinical testing. Allele origin: germline. Affected: yes. Not counted in ClinVar's aggregate classification.
Comment: PM2_supporting, PVS1_very-strong, PM5_strong

Women's Health and Genetics/Laboratory Corporation of America, LabCorp
Classification: Pathogenic for Hereditary breast ovarian cancer syndrome. Last evaluated: 2025-08-06. Review status: criteria provided, single submitter. Criteria: LabCorp Variant Classification Summary - May 2015. Collection method: clinical testing. Allele origin: germline. Not counted in ClinVar's aggregate classification.
Comment: Variant summary: BRCA1 c.2241delC (p.Asp749IlefsX4) results in a premature termination codon, predicted to cause absence of the protein due to nonsense mediated decay, which is a commonly known mechanism for disease. The variant was absent in 251168 control chromosomes (gnomAD). c.2241delC has been observed in individuals affected with Hereditary Breast And Ovarian Cancer Syndrome (e.g., Judkins_2005, Velasco_2005, Bosdet_2013, Mehta_2018). These data indicate that the variant is likely to be associated with disease. The following publications have been ascertained in the context of this evaluation (PMID: 15937982, 16267036, 16758124, 24094589, 21918853, 18528753, 30555256). ClinVar contains an entry for this variant (Variation ID: 54510). Based on the evidence outlined above, the variant was classified as pathogenic.

Ambry Genetics
Classification: Pathogenic for Hereditary cancer-predisposing syndrome. Last evaluated: 2022-02-02. Review status: criteria provided, single submitter. Criteria: Ambry Variant Classification Scheme 2023. Collection method: clinical testing. Allele origin: germline. Not counted in ClinVar's aggregate classification.
Comment: The c.2241delC pathogenic mutation, located in coding exon 9 of the BRCA1 gene, results from a deletion of one nucleotide at nucleotide position 2241, causing a translational frameshift with a predicted alternate stop codon (p.D749Ifs*4). This alteration was identified in a cohort of 206 unrelated breast and/or ovarian cancer cases from North India who met NCCN guidelines for genetic testing (Mehta A et al. Cancer Manag Res, 2018 Dec;10:6505-6516). This variant is considered to be rare based on population cohorts in the Genome Aggregation Database (gnomAD). In addition to the clinical data presented in the literature, this alteration is expected to result in loss of function by premature protein truncation or nonsense-mediated mRNA decay. As such, this alteration is interpreted as a disease-causing mutation.

Sema4
Classification: Pathogenic for Hereditary cancer-predisposing syndrome. Last evaluated: 2021-05-19. Review status: criteria provided, single submitter. Criteria: Sema4 Curation Guidelines. Collection method: curation. Allele origin: germline. Not counted in ClinVar's aggregate classification.
Comment: The BRCA1 c.2241delC (p.D749Ifs*4) variant has been reported in heterozygosity in at least 7 families with breast and/or ovarian cancer (PMID: 29446198, 16758124, 30555256, 33468216). It is also known as c.2360delC in the literature. This variant causes a frameshift at amino acid 749 that results in premature termination 4 amino acids downstream. This variant is predicted to cause loss of normal protein function either through protein truncation or nonsense-mediated mRNA decay. Loss of function variants in BRCA1 are known to be pathogenic (PMID: 29446198). This variant is not reported in the population database Genome Aggregation Database (PMID: 32461654). This variant has been reported in ClinVar (Variation ID: 54510). Based on the current evidence available, this variant is interpreted as pathogenic.

Labcorp Genetics (formerly Invitae), Labcorp
Classification: Pathogenic for Hereditary breast ovarian cancer syndrome. Last evaluated: 2020-08-03. Review status: criteria provided, single submitter. Criteria: Invitae Variant Classification Sherloc (09022015). Collection method: clinical testing. Allele origin: germline. Not counted in ClinVar's aggregate classification.
Comment: Loss-of-function variants in BRCA1 are known to be pathogenic (PMID: 20104584). This variant has been reported in a family affected with breast and/or ovarian cancer (PMID: 16758124). This variant is also known as c.2360delC in the literature. ClinVar contains an entry for this variant (Variation ID: 54510). This variant is not present in population databases (ExAC no frequency). This sequence change creates a premature translational stop signal (p.Asp749Ilefs*4) in the BRCA1 gene. It is expected to result in an absent or disrupted protein product. For these reasons, this variant has been classified as Pathogenic.

GeneDx
Classification: Pathogenic. Last evaluated: 2019-10-28. Review status: criteria provided, single submitter. Criteria: GeneDx Variant Classification Process June 2021. Collection method: clinical testing. Allele origin: germline. Affected: yes. Not counted in ClinVar's aggregate classification.
Comment: Frameshift variant predicted to result in protein truncation or nonsense mediated decay in a gene for which loss-of-function is a known mechanism of disease; Observed in individuals with a personal or family history including breast and ovarian cancers (Infante et al., 2006; Gardner et al., 2018; Mehta et al., 2018); Truncating variants in this gene are considered pathogenic by a well-established clinical consortium and/or database; Not observed in large population cohorts (Lek et al., 2016); Also known as 2360delC; This variant is associated with the following publications: (PMID: 29308099, 16758124, 30555256)

Quest Diagnostics Nichols Institute San Juan Capistrano
Classification: Pathogenic for Breast-ovarian cancer, familial, susceptibility to, 1. Last evaluated: 2016-02-06. Review status: criteria provided, single submitter. Criteria: Quest Diagnostics criteria. Collection method: clinical testing. Allele origin: germline. Inheritance: Autosomal dominant inheritance. Not counted in ClinVar's aggregate classification.

Consortium of Investigators of Modifiers of BRCA1/2 (CIMBA), c/o University of Cambridge
Classification: Pathogenic for Breast-ovarian cancer, familial, susceptibility to, 1. Last evaluated: 2015-10-02. Review status: criteria provided, single submitter. Criteria: CIMBA Mutation Classification guidelines May 2016. Collection method: clinical testing. Allele origin: germline. Not counted in ClinVar's aggregate classification.

Research Molecular Genetics Laboratory, Women's College Hospital, University of Toronto
Classification: Pathogenic for Hereditary breast ovarian cancer syndrome. Last evaluated: 2014-01-31. Review status: no assertion criteria provided. Collection method: research. Allele origin: germline. Affected: yes. Study: The Canadian Open Genetics Repository (COGR). Not counted in ClinVar's aggregate classification.

Sharing Clinical Reports Project (SCRP)
Classification: Pathogenic for Breast-ovarian cancer, familial 1. Last evaluated: 2011-07-26. Review status: no assertion criteria provided. Collection method: clinical testing. Allele origin: germline. Not counted in ClinVar's aggregate classification.

Breast Cancer Information Core (BIC) (BRCA1)
Classification: Pathogenic for Breast-ovarian cancer, familial 1. Last evaluated: 1998-07-10. Review status: no assertion criteria provided. Collection method: clinical testing. Allele origin: germline. Affected: yes. Observed: 2 variant alleles. Not counted in ClinVar's aggregate classification.

Department of Pathology and Laboratory Medicine, Sinai Health System
Classification: Pathogenic for Breast-ovarian cancer, familial, susceptibility to, 1. Review status: no assertion criteria provided. Collection method: clinical testing. Allele origin: unknown. Affected: yes. Observed: 2 variant alleles. Study: The Canadian Open Genetics Repository (COGR). Not counted in ClinVar's aggregate classification.
Comment: The p.Asp749IlefsX4 deletion variant has been previously reported in the literature in 1 of 528 proband chromosomes in an individual with breast and ovarian cancer (Infante 2006). The p.Asp749IlefsX4 deletion variant is predicted to cause a frameshift, which alters the protein's amino acid sequence beginning at codon 749 and leads to a premature stop codon 4 codons downstream. This alteration is then predicted to result in a truncated or absent protein and loss of function. Loss of function variants of the BRCA1 gene are an established mechanism of disease in hereditary breast and ovarian cancer. In summary, based on the above information, this variant meets our laboratory's criteria to be classified as pathogenic.

Literature cited by the submitters: PubMed 15937982 (cited by Women's Health and Genetics/Laboratory Corporation of America, LabCorp); PubMed 16267036 (cited by Women's Health and Genetics/Laboratory Corporation of America, LabCorp); PubMed 16758124 (cited by 3 submitters); PubMed 24094589 (cited by Women's Health and Genetics/Laboratory Corporation of America, LabCorp); PubMed 21918853 (cited by Women's Health and Genetics/Laboratory Corporation of America, LabCorp); PubMed 18528753 (cited by Women's Health and Genetics/Laboratory Corporation of America, LabCorp); PubMed 30555256 (cited by 3 submitters); PubMed 29446198 (cited by Sema4); PubMed 33468216 (cited by Sema4); PubMed 20104584 (cited by Labcorp Genetics (formerly Invitae), Labcorp); PubMed 26295337 (cited by Quest Diagnostics Nichols Institute San Juan Capistrano).

NM_007294.4(BRCA1):c.2241del (p.Asp749fs)

Gene: BRCA1 (BRCA1 DNA repair associated; minus strand). Cytogenetic location: 17q21.31.
Variant type: Deletion.
Coding change: c.2241del on transcript NM_007294.4 (MANE Select); coding-DNA position 2241, one base deleted (C; older notation c.2241delC).
Protein change: p.Asp749fs; shifts the reading frame from aspartic acid 749.
Molecular consequence: frameshift variant. On other transcripts: intron variant (137).
Genome position (GRCh38, 1-based): chr17:43,093,290, G deleted on the plus strand (C on the coding strand, the reverse complement: BRCA1 is on the minus strand); the first of 4 consecutive G bases (chr17:43,093,290-43,093,293); deleting any one gives the same sequence. VCF-style (leftmost placement, unchanged base first): chr17-43093289-TG-T. GRCh37 (hg19) VCF-style: chr17-41245306-TG-T.
Other names: 2360delC; c.2241delC (NM_007294.3); c.2028del, p.Asp678fs (NM_001407571.1, NM_001407853.1, NM_001407894.1 and 9 more transcripts); c.2241del, p.Asp749fs (NM_001407581.1, NM_001407582.1, NM_001407583.1 and 30 more transcripts); c.2238del, p.Asp748fs (NM_001407587.1, NM_001407590.1, NM_001407591.1 and 22 more transcripts); c.2232del, p.Asp746fs (NM_001407646.1, NM_001407647.1); c.2118del, p.Asp708fs (NM_001407648.1, NM_001407664.1, NM_001407665.1 and 19 more transcripts); c.2115del, p.Asp707fs (NM_001407649.1, NM_001407670.1, NM_001407671.1 and 11 more transcripts); and 43 more; short protein forms D702fs, D749fs, D621fs, D637fs, D707fs, D723fs, D660fs, D661fs.
Identifiers: ClinVar variation 54510 (VCV000054510.22), dbSNP rs80357650, ClinGen allele CA001500.